The following is an entry in ClinVar:

NM_016507.4(CDK12):c.1730C>G (p.Pro577Arg)

Gene: CDK12 (cyclin dependent kinase 12; plus strand). Cytogenetic location: 17q12.
Variant type: single nucleotide variant.
Coding change: c.1730C>G on transcript NM_016507.4 (MANE Select); coding-DNA position 1730, C replaced by G.
Protein change: p.Pro577Arg; replaces proline 577 with arginine.
Molecular consequence: missense variant.
Genome position (GRCh38, 1-based): chr17:39,471,562, C>G. VCF-style: chr17-39471562-C-G. GRCh37 (hg19) VCF-style: chr17-37627815-C-G.
Other names: c.1730C>G, p.Pro577Arg (NM_015083.4); short protein forms P577R.
Identifiers: ClinVar variation 4844480 (VCV004844480.1).

ClinVar aggregate classification (germline): Uncertain significance (1 of 4 stars; one submission).

gnomAD v4.1: 1 of 1,614,042 alleles (0.000062%); highest among the groups gnomAD compares: East Asian, 0.0022%; no homozygotes.

Submission:

Ambry Genetics
Classification: Uncertain significance. Last evaluated: 2026-01-20. Review status: criteria provided, single submitter. Criteria: Ambry Variant Classification Scheme 2023. Collection method: clinical testing. Allele origin: germline.
Comment: The p.P577R variant (also known as c.1730C>G), located in coding exon 2 of the CDK12 gene, results from a C to G substitution at nucleotide position 1730. The proline at codon 577 is replaced by arginine, an amino acid with dissimilar properties. This amino acid position is conserved. In addition, this alteration is predicted to be tolerated by in silico analysis. Based on the available evidence, the clinical significance of this variant remains unclear.